The following is an entry in ClinVar:

ClinVar aggregate classification (germline): Uncertain significance (1 of 4 stars; one submission).

gnomAD v4.1: 1 of 1,614,178 alleles (0.000062%); highest among the groups gnomAD compares: Non-Finnish European, 0.000085%; no homozygotes.

Submission:

GeneDx
Classification: Uncertain significance. Last evaluated: 2025-04-11. Review status: criteria provided, single submitter. Criteria: GeneDx Variant Classification Process June 2021. Collection method: clinical testing. Allele origin: germline. Affected: yes.
Comment: Not observed at significant frequency in large population cohorts (gnomAD); In silico analysis supports that this missense variant has a deleterious effect on protein structure/function; Has not been previously published as pathogenic or benign to our knowledge

NM_022893.4(BCL11A):c.2285G>A (p.Arg762Lys)

Gene: BCL11A (BCL11 transcription factor A; minus strand). Cytogenetic location: 2p16.1.
Variant type: single nucleotide variant.
Coding change: c.2285G>A on transcript NM_022893.4 (MANE Select); coding-DNA position 2285, G replaced by A.
Protein change: p.Arg762Lys; replaces arginine 762 with lysine.
Molecular consequence: missense variant. On other transcripts: intron variant (13).
Genome position (GRCh38, 1-based): chr2:60,460,627, C>T on the plus strand (G>A on the coding strand, the complement: BCL11A is on the minus strand). VCF-style: chr2-60460627-C-T. GRCh37 (hg19) VCF-style: chr2-60687762-C-T.
Other names: c.2129G>A, p.Arg710Lys (NM_001405715.1, NM_001405716.1, NM_001405713.1 and 1 more transcripts); c.2027G>A, p.Arg676Lys (NM_001405717.1, NM_001405718.1); c.1952G>A, p.Arg651Lys (NM_001405720.1, NM_001405721.1); c.1829G>A, p.Arg610Lys (NM_001405725.1, NM_001405726.1, NM_001405727.1 and 1 more transcripts); c.2183G>A, p.Arg728Lys (NM_001363864.1, NM_001365609.1, NM_001405711.1 and 1 more transcripts); c.2285G>A, p.Arg762Lys (NM_001405708.1, NM_001405709.1, NM_001405710.1); c.1592G>A, p.Arg531Lys (NM_001405729.1); c.630+1655G>A (NM_138559.2, NM_001405732.1); and 9 more; short protein forms R531K, R610K, R651K, R676K, R710K, R728K, R762K.
Identifiers: ClinVar variation 4282081 (VCV004282081.1).